The following is an entry in ClinVar:

ClinVar aggregate classification (germline): Uncertain significance (1 of 4 stars; one submission).

Submission:

Labcorp Genetics (formerly Invitae), Labcorp
Classification: Uncertain significance. Last evaluated: 2025-01-07. Review status: criteria provided, single submitter. Criteria: Invitae Variant Classification Sherloc (09022015). Collection method: clinical testing. Allele origin: germline.
Comment: This sequence change replaces arginine, which is basic and polar, with histidine, which is basic and polar, at codon 492 of the LRRC8A protein (p.Arg492His). The frequency data for this variant in the population databases is not available, as this variant may be reported differently in the gnomAD database. This variant has not been reported in the literature in individuals affected with LRRC8A-related conditions. Experimental studies and prediction algorithms are not available or were not evaluated, and the functional significance of this variant is currently unknown. In summary, the available evidence is currently insufficient to determine the role of this variant in disease. Therefore, it has been classified as a Variant of Uncertain Significance.

NM_019594.4(LRRC8A):c.1475_1476inv (p.Arg492His)

Gene: LRRC8A (leucine rich repeat containing 8 VRAC subunit A; plus strand). Cytogenetic location: 9q34.11.
Variant type: Inversion.
Coding change: c.1475_1476inv on transcript NM_019594.4 (MANE Select).
Protein change: p.Arg492His; replaces arginine 492 with histidine.
Molecular consequence: missense variant.
Genome position: GRCh38 VCF-style: chr9-128908639-GT-AC. GRCh37 (hg19) VCF-style: chr9-131670918-GT-AC.
Other names: c.1475_1476inv, p.Arg492His (NM_001127244.2, NM_001127245.2); short protein forms R492H.
Identifiers: ClinVar variation 1439983 (VCV001439983.5), ClinGen allele CA2573143930.